The following is an entry in ClinVar:

NM_005216.5(DDOST):c.846del (p.Phe283fs)

Gene: DDOST (dolichyl-diphosphooligosaccharide--protein glycosyltransferase non-catalytic subunit; minus strand). Cytogenetic location: 1p36.12.
Variant type: Deletion.
Coding change: c.846del on transcript NM_005216.5 (MANE Select); coding-DNA position 846, one base deleted (G; older notation c.846delG).
Protein change: p.Phe283fs; shifts the reading frame from phenylalanine 283.
Molecular consequence: frameshift variant.
Genome position (GRCh38, 1-based): chr1:20,653,723, C deleted on the plus strand (G on the coding strand, the reverse complement: DDOST is on the minus strand). VCF-style (leftmost placement, unchanged base first): chr1-20653722-AC-A. GRCh37 (hg19) VCF-style: chr1-20980215-AC-A.
Other names: short protein forms F283fs.
Identifiers: ClinVar variation 2818218 (VCV002818218.3), dbSNP rs2545274455, ClinGen allele CA2643872568.

ClinVar aggregate classification (germline): Uncertain significance (1 of 4 stars; one submission).

Conditions:
Congenital disorder of glycosylation type Ir (CDG1R). Also called: DDOST-congenital disorder of glycosylation. Identifiers: Orphanet 300536, MedGen C3281084, MONDO:0013789, OMIM 614507.

Allele frequency attached by ClinVar (database versions not stated): gnomAD exomes 0.00001.

Submission:

Labcorp Genetics (formerly Invitae), Labcorp
Classification: Uncertain significance for Congenital disorder of glycosylation type Ir. Last evaluated: 2022-12-03. Review status: criteria provided, single submitter. Criteria: Invitae Variant Classification Sherloc (09022015). Collection method: clinical testing. Allele origin: germline.
Comment: In summary, the available evidence is currently insufficient to determine the role of this variant in disease. Therefore, it has been classified as a Variant of Uncertain Significance. This variant has not been reported in the literature in individuals affected with DDOST-related conditions. This variant is not present in population databases (gnomAD no frequency). This sequence change creates a premature translational stop signal (p.Phe300Serfs*31) in the DDOST gene. It is expected to result in an absent or disrupted protein product. However, the current clinical and genetic evidence is not sufficient to establish whether loss-of-function variants in DDOST cause disease.